The following is an entry in ClinVar:

ClinVar aggregate classification (germline): Uncertain significance (1 of 4 stars; one submission).

gnomAD v4.1: 3 of 1,614,182 alleles (0.00019%); highest among the groups gnomAD compares: East Asian, 0.0045%; no homozygotes.

Submission:

Labcorp Genetics (formerly Invitae), Labcorp
Classification: Uncertain significance. Last evaluated: 2024-02-23. Review status: criteria provided, single submitter. Criteria: Invitae Variant Classification Sherloc (09022015). Collection method: clinical testing. Allele origin: germline.
Comment: This sequence change replaces methionine, which is neutral and non-polar, with threonine, which is neutral and polar, at codon 5167 of the USH2A protein (p.Met5167Thr). This variant is present in population databases (rs749723354, gnomAD 0.01%). This variant has not been reported in the literature in individuals affected with USH2A-related conditions. Advanced modeling of protein sequence and biophysical properties (such as structural, functional, and spatial information, amino acid conservation, physicochemical variation, residue mobility, and thermodynamic stability) performed at Invitae indicates that this missense variant is not expected to disrupt USH2A protein function with a negative predictive value of 95%. In summary, the available evidence is currently insufficient to determine the role of this variant in disease. Therefore, it has been classified as a Variant of Uncertain Significance.

NM_206933.4(USH2A):c.15500T>C (p.Met5167Thr)

Gene: USH2A (usherin; minus strand). Cytogenetic location: 1q41.
Variant type: single nucleotide variant.
Coding change: c.15500T>C on transcript NM_206933.4 (MANE Select); coding-DNA position 15500, T replaced by C.
Protein change: p.Met5167Thr; replaces methionine 5167 with threonine.
Molecular consequence: missense variant.
Genome position (GRCh38, 1-based): chr1:215,628,833, A>G on the plus strand (T>C on the coding strand, the complement: USH2A is on the minus strand). VCF-style: chr1-215628833-A-G. GRCh37 (hg19) VCF-style: chr1-215802175-A-G.
Other names: short protein forms M5167T.
Identifiers: ClinVar variation 3614968 (VCV003614968.2).